The following is an entry in ClinVar:

ClinVar aggregate classification (germline): Uncertain significance (1 of 4 stars; one submission).

Conditions:
Hereditary cancer-predisposing syndrome. Also called: Neoplastic Syndromes, Hereditary; Tumor predisposition; Hereditary Cancer Syndrome; Hereditary neoplastic syndrome. Identifiers: Orphanet 140162, MedGen C0027672, MeSH D009386, MONDO:0015356.

Submission:

Ambry Genetics
Classification: Uncertain significance for Hereditary cancer-predisposing syndrome. Last evaluated: 2022-05-28. Review status: criteria provided, single submitter. Criteria: Ambry Variant Classification Scheme 2023. Collection method: clinical testing. Allele origin: germline.
Comment: The p.P58S variant (also known as c.172C>T), located in coding exon 2 of the NTHL1 gene, results from a C to T substitution at nucleotide position 172. The proline at codon 58 is replaced by serine, an amino acid with similar properties. This amino acid position is conserved. In addition, this alteration is predicted to be tolerated by in silico analysis. Since supporting evidence is limited at this time, the clinical significance of this alteration remains unclear.

NM_002528.7(NTHL1):c.148C>T (p.Pro50Ser)

Gene: NTHL1 (nth like DNA glycosylase 1; minus strand). Cytogenetic location: 16p13.3.
Variant type: single nucleotide variant.
Coding change: c.148C>T on transcript NM_002528.7 (MANE Select); coding-DNA position 148, C replaced by T.
Protein change: p.Pro50Ser; replaces proline 50 with serine.
Molecular consequence: missense variant. On other transcripts: 5 prime UTR variant (1).
Genome position (GRCh38, 1-based): chr16:2,046,334, G>A on the plus strand (C>T on the coding strand, the complement: NTHL1 is on the minus strand). VCF-style: chr16-2046334-G-A. GRCh37 (hg19) VCF-style: chr16-2096335-G-A.
Other names: c.148C>T, p.Pro50Ser (NM_001318193.2); c.-31C>T (NM_001318194.2); short protein forms P50S.
Identifiers: ClinVar variation 1778948 (VCV001778948.2), dbSNP rs2150947428, ClinGen allele CA394297964.
Genomic context (GRCh38, chr16:2,046,334, plus strand): 5'-CCTCACCTTTCTCACTGTCCGAGCCCTCATAGGCCACACGCAGTCTCTGTGCTTTCCGCG[G>A]ACGCTTCACGGGGCTGTGGCTTTTCCTCGCTTCTGCAAAAAGCACCACGCAGTCCCTCTG-3'
Protein context (NP_002519.2, residues 40-60): ARKSHSPVKR[Pro50Ser]RKAQRLRVAY